The following is an entry in ClinVar:

NM_024852.4(AGO3):c.1013C>T (p.Thr338Ile)

Gene: AGO3 (argonaute RISC catalytic component 3; plus strand). Cytogenetic location: 1p34.3.
Variant type: single nucleotide variant.
Coding change: c.1013C>T on transcript NM_024852.4 (MANE Select); coding-DNA position 1013, C replaced by T.
Protein change: p.Thr338Ile; replaces threonine 338 with isoleucine.
Molecular consequence: missense variant.
Genome position (GRCh38, 1-based): chr1:36,009,028, C>T. VCF-style: chr1-36009028-C-T. GRCh37 (hg19) VCF-style: chr1-36474629-C-T.
Other names: c.311C>T, p.Thr104Ile (NM_177422.3); short protein forms T104I, T338I.
Identifiers: ClinVar variation 2631343 (VCV002631343.1), dbSNP rs2524314617, ClinGen allele CA339375057.
Genomic context (GRCh38, chr1:36,009,028, plus strand): 5'-CTCTTCAGCTGAAGTACCCGCACCTTCCCTGTCTGCAAGTCGGGCAGGAACAGAAACACA[C>T]CTACCTGCCACTAGAAGTAATGCCTTCACACTGCTAATTAATACCCTGTTGTTCATGATT-3'
Protein context (NP_079128.2, residues 328-348): CLQVGQEQKH[Thr338Ile]YLPLEVCNIV

ClinVar aggregate classification (germline): Uncertain significance (1 of 4 stars; one submission).

Conditions:
AGO3-related disorder. Also called: AGO3-related condition.

Submission:

PreventionGenetics, part of Exact Sciences
Classification: Uncertain significance for AGO3-related condition. Last evaluated: 2023-09-07. Review status: criteria provided, single submitter. Criteria: ACMG Guidelines, 2015. Collection method: clinical testing. Allele origin: germline.
Comment: The AGO3 c.1013C>T variant is predicted to result in the amino acid substitution p.Thr338Ile. To our knowledge, this variant has not been reported in the literature or in a large population database, indicating this variant is rare. At this time, the clinical significance of this variant is uncertain due to the absence of conclusive functional and genetic evidence.